The following is an entry in ClinVar:

ClinVar aggregate classification (germline): Benign (1 of 4 stars; one submission).

Allele frequency attached by ClinVar (database versions not stated): gnomAD 0.05491; 1000 Genomes Project 30x 0.05497; TOPMed 0.06001.
gnomAD v4.1: 103,013 of 1,344,212 alleles (7.7%); highest among the groups gnomAD compares: Middle Eastern, 11%; 4,374 homozygotes.

Submission:

GeneDx
Classification: Benign. Last evaluated: 2018-06-14. Review status: criteria provided, single submitter. Criteria: GeneDx Variant Classification (06012015). Collection method: clinical testing. Allele origin: germline. Affected: yes.
Comment: This variant is considered likely benign or benign based on one or more of the following criteria: it is a conservative change, it occurs at a poorly conserved position in the protein, it is predicted to be benign by multiple in silico algorithms, and/or has population frequency not consistent with disease.

NM_002397.5(MEF2C):c.590-95G>T

Gene: MEF2C (myocyte enhancer factor 2C; minus strand). Cytogenetic location: 5q14.3.
Variant type: single nucleotide variant.
Coding change: c.590-95G>T on transcript NM_002397.5 (MANE Select); 95 bases into the intron before coding-DNA position 590, G replaced by T.
Molecular consequence: intron variant.
Genome position (GRCh38, 1-based): chr5:88,749,212, C>A on the plus strand (G>T on the coding strand, the complement: MEF2C is on the minus strand). VCF-style: chr5-88749212-C-A. GRCh37 (hg19) VCF-style: chr5-88045029-C-A.
Other names: c.590-95G>T (NM_001364329.2, NM_001364330.2, NM_001364333.2 and 18 more transcripts); c.446-95G>T (NM_001364344.2, NM_001364354.2, NM_001364332.2 and 3 more transcripts); c.212-95G>T (NM_001364353.2, NM_001364356.2); c.584-95G>T (NM_001131005.2, NM_001364352.2, NM_001364343.2); c.644-95G>T (NM_001193347.1, NM_001364338.2); c.164-95G>T (NM_001364357.2).
Identifiers: ClinVar variation 670880 (VCV000670880.1), dbSNP rs10514303, ClinGen allele CA11974715.
Genomic context (GRCh38, chr5:88,749,212, plus strand): 5'-GCTAAAGGCCCACAGAACAAAACACTTTACCTTCAGCAACCTCAGTATTTTGTCCTCTTG[C>A]AATAGTCATAAACTTGTAAAGTACAACCCAAGTCAGATGGCTGACATTTGTTTTATTGTG-3'